The following is an entry in ClinVar:

ClinVar aggregate classification (germline): Uncertain significance. Review status: criteria provided, multiple submitters, no conflicts (2 of 4 stars). 5 submissions from 5 submitters: Uncertain significance (5). Last evaluated 2025-09-07.

Conditions:
Cardiovascular phenotype. Identifiers: MedGen CN230736.
Norum disease. Also called: Familial lecithin cholesterol acyltransferase deficiency. Identifiers: Orphanet 79293, MedGen C0023195, MONDO:0009515, OMIM 245900.
Fish-eye disease (FED). Also called: ALPHA-LCAT DEFICIENCY; DYSLIPOPROTEINEMIC CORNEAL DYSTROPHY; LCATA DEFICIENCY. Identifiers: Orphanet 650, Orphanet 79292, MedGen C0342895, MONDO:0007620, OMIM 136120.
LCAT deficiency. Also called: Lecithin Acyltransferase Deficiency. Identifiers: Orphanet 650, Orphanet 79293, MedGen C5779633, MONDO:0018999.

Allele frequency attached by ClinVar (database versions not stated): gnomAD exomes 0.00004; TOPMed 0.00004; gnomAD 0.00005; ExAC 0.00006.
gnomAD v4.1: 86 of 1,613,740 alleles (0.0053%); highest among the groups gnomAD compares: Non-Finnish European, 0.0069%; no homozygotes.

Submissions (5):

Ambry Genetics
Classification: Uncertain significance for Cardiovascular phenotype. Last evaluated: 2025-09-07. Review status: criteria provided, single submitter. Criteria: Ambry Variant Classification Scheme 2023. Collection method: clinical testing. Allele origin: germline.
Comment: The p.G128S variant (also known as c.382G>A), located in coding exon 3 of the LCAT gene, results from a G to A substitution at nucleotide position 382. The glycine at codon 128 is replaced by serine, an amino acid with similar properties. This variant has been identified in individual(s) with features that may be consistent with LCAT deficiency (Cohen JC et al. Science, 2004 Aug;305:869-72; Geller AS et al. J Lipid Res, 2018 Dec;59:2421-2435). This amino acid position is highly conserved in available vertebrate species. In addition, this alteration is predicted to be deleterious by in silico analysis. Based on the available evidence, the clinical significance of this variant remains unclear.

Fulgent Genetics
Classification: Uncertain significance for Fish-eye disease; Norum disease. Last evaluated: 2024-03-21. Review status: criteria provided, single submitter. Criteria: ACMG Guidelines, 2015. Collection method: clinical testing. Allele origin: germline.

New York Genome Center
Classification: Uncertain significance for Norum disease; Fish-eye disease. Last evaluated: 2022-07-18. Review status: criteria provided, single submitter. Criteria: NYGC Assertion Criteria 2020. Collection method: clinical testing. Allele origin: germline. Observed: 1 heterozygote.

Labcorp Genetics (formerly Invitae), Labcorp
Classification: Uncertain significance. Last evaluated: 2022-07-09. Review status: criteria provided, single submitter. Criteria: Invitae Variant Classification Sherloc (09022015). Collection method: clinical testing. Allele origin: germline.
Comment: This sequence change replaces glycine, which is neutral and non-polar, with serine, which is neutral and polar, at codon 128 of the LCAT protein (p.Gly128Ser). This variant is present in population databases (rs199560940, gnomAD 0.008%). This missense change has been observed in individual(s) with clinical features of dyslipidemia and/or low HDL cholesterol level (PMID: 15297675, 30333156, 32041611). ClinVar contains an entry for this variant (Variation ID: 885596). Algorithms developed to predict the effect of missense changes on protein structure and function are either unavailable or do not agree on the potential impact of this missense change (SIFT: "Deleterious"; PolyPhen-2: "Probably Damaging"; Align-GVGD: "Class C0"). Algorithms developed to predict the effect of sequence changes on RNA splicing suggest that this variant may create or strengthen a splice site. In summary, the available evidence is currently insufficient to determine the role of this variant in disease. Therefore, it has been classified as a Variant of Uncertain Significance.

Illumina Laboratory Services, Illumina
Classification: Uncertain significance for Norum disease. Last evaluated: 2017-04-27. Review status: criteria provided, single submitter. Criteria: ICSL Variant Classification Criteria 13 December 2019. Collection method: clinical testing. Allele origin: germline.
Comment: This variant was observed as part of a predisposition screen in an ostensibly healthy population. A literature search was performed for the gene, cDNA change, and amino acid change (where applicable). Publications were found based on this search. However, the evidence from the literature, in combination with allele frequency data from public databases where available, was not sufficient to rule this variant in or out of causing disease. Therefore, this variant is classified as a variant of unknown significance.

Literature cited by the submitters: PubMed 15297675 (cited by 3 submitters); PubMed 30333156 (cited by Ambry Genetics and Labcorp Genetics (formerly Invitae), Labcorp); PubMed 32041611 (cited by Labcorp Genetics (formerly Invitae), Labcorp).

NM_000229.2(LCAT):c.382G>A (p.Gly128Ser)

Gene: LCAT (lecithin-cholesterol acyltransferase; minus strand). Cytogenetic location: 16q22.1.
Variant type: single nucleotide variant.
Coding change: c.382G>A on transcript NM_000229.2 (MANE Select); coding-DNA position 382, G replaced by A.
Protein change: p.Gly128Ser; replaces glycine 128 with serine.
Molecular consequence: missense variant.
Genome position (GRCh38, 1-based): chr16:67,942,906, C>T on the plus strand (G>A on the coding strand, the complement: LCAT is on the minus strand). VCF-style: chr16-67942906-C-T. GRCh37 (hg19) VCF-style: chr16-67976809-C-T.
Other names: short protein forms G128S.
Identifiers: ClinVar variation 885596 (VCV000885596.12), dbSNP rs199560940, ClinGen allele CA8121096.
Genomic context (GRCh38, chr16:67,942,906, plus strand): 5'-CCCTCTGACACAAACCTGCCAGCTTGCTGCTGTCCAGGTACTCCACAGAGTAGGTCTTGC[C>T]AAAGCCAGGGACGCGGATCTGGACACCAGGGGCGTTGGACACGAGCCCAGAGCTCCGGTT-3'
Protein context (NP_000220.1, residues 118-138): PGVQIRVPGF[Gly128Ser]KTYSVEYLDS